The following is an entry in ClinVar:

ClinVar aggregate classification (germline): Likely benign (1 of 4 stars; one submission).

gnomAD v4.1: 97 of 1,609,182 alleles (0.006%); highest among the groups gnomAD compares: Non-Finnish European, 0.0076%; no homozygotes.

Submission:

CeGaT Center for Human Genetics Tuebingen
Classification: Likely benign. Last evaluated: 2026-09-01. Review status: criteria provided, single submitter. Criteria: CeGaT Center For Human Genetics Tuebingen Variant Classification Criteria Version 2. Collection method: clinical testing. Allele origin: germline. Affected: yes. Observed: 1 variant allele.
Comment: ALKBH8: BP4, BP7

NM_138775.3(ALKBH8):c.6C>T (p.Asp2=)

Gene: ALKBH8 (alkB homolog 8, tRNA methyltransferase; minus strand). Cytogenetic location: 11q22.3.
Variant type: single nucleotide variant.
Coding change: c.6C>T on transcript NM_138775.3 (MANE Select); coding-DNA position 6, C replaced by T.
Protein change: p.Asp2=; no amino-acid change (aspartic acid 2 retained).
Molecular consequence: synonymous variant. On other transcripts: non-coding transcript variant (6).
Genome position (GRCh38, 1-based): chr11:107,560,888, G>A on the plus strand (C>T on the coding strand, the complement: ALKBH8 is on the minus strand). VCF-style: chr11-107560888-G-A. GRCh37 (hg19) VCF-style: chr11-107431614-G-A.
Other names: c.6C>T, p.Asp2= (NM_001301010.3, NM_001378133.1).
Identifiers: ClinVar variation 5041097 (VCV005041097.1).